The following is an entry in ClinVar:

ClinVar aggregate classification (germline): Likely pathogenic (1 of 4 stars; one submission).

Conditions:
Nemaline myopathy 2 (NEM2). Also called: Nemaline myopathy 2, autosomal recessive. Identifiers: MedGen C1850569, MONDO:0009725, OMIM 256030.

Submission:

Labcorp Genetics (formerly Invitae), Labcorp
Classification: Likely pathogenic for Nemaline myopathy 2. Last evaluated: 2023-09-06. Review status: criteria provided, single submitter. Criteria: Invitae Variant Classification Sherloc (09022015). Collection method: clinical testing. Allele origin: germline.
Comment: In summary, the currently available evidence indicates that the variant is pathogenic, but additional data are needed to prove that conclusively. Therefore, this variant has been classified as Likely Pathogenic. This variant results in the deletion of exon 27 and part of exon 26 (c.2472_2638-456delinsTTTGTTATAATA) of the NEB gene. It is expected to disrupt RNA splicing. Variants that disrupt the donor or acceptor splice site typically lead to a loss of protein function (PMID: 16199547), and loss-of-function variants in NEB are known to be pathogenic (PMID: 25205138). This variant has not been reported in the literature in individuals affected with NEB-related conditions.

Literature cited by the submitters: PubMed 16199547; PubMed 25205138.

NC_000002.11:g.(?_152541945)_(152544191_?)del

Gene: NEB (nebulin; minus strand). Cytogenetic location: 2q23.3.
Variant type: Deletion.
Identifiers: ClinVar variation 1505028 (VCV001505028.4).